The following is an entry in ClinVar:

NM_018076.5(ODAD2):c.1801G>A (p.Glu601Lys)

Gene: ODAD2 (outer dynein arm docking complex subunit 2; minus strand). Cytogenetic location: 10p12.1.
Variant type: single nucleotide variant.
Coding change: c.1801G>A on transcript NM_018076.5 (MANE Select); coding-DNA position 1801, G replaced by A.
Protein change: p.Glu601Lys; replaces glutamic acid 601 with lysine.
Molecular consequence: missense variant.
Genome position (GRCh38, 1-based): chr10:27,940,748, C>T on the plus strand (G>A on the coding strand, the complement: ODAD2 is on the minus strand). VCF-style: chr10-27940748-C-T. GRCh37 (hg19) VCF-style: chr10-28229677-C-T.
Other names: c.1801G>A, p.Glu601Lys (NM_001290020.2); c.376G>A, p.Glu126Lys (NM_001290021.2); c.877G>A, p.Glu293Lys (NM_001312689.2); short protein forms E293K, E126K, E601K.
Identifiers: ClinVar variation 2057764 (VCV002057764.2), dbSNP rs777609514, ClinGen allele CA5453389.
Genomic context (GRCh38, chr10:27,940,748, plus strand): 5'-TCTTACTGCAGCTCCACAGGGCCAGTGCCCCACAGCGAGCCACTTCCACGTCTCTGGCCT[C>T]ATACAGACTCGATTGGGCAGGTTTTGTGGAATCATGTGCACAGTCTAGTAGAGCAACCTA-3'
Protein context (NP_060546.2, residues 591-611): STKPAQSSLY[Glu601Lys]ARDVEVARCG

ClinVar aggregate classification (germline): Uncertain significance. Review status: criteria provided, multiple submitters, no conflicts (2 of 4 stars). 2 submissions from 2 submitters: Uncertain significance (2). Last evaluated 2024-07-08.

Conditions:
Primary ciliary dyskinesia 23 (CILD23). Also called: CILIARY DYSKINESIA, PRIMARY, 23, WITH OR WITHOUT SITUS INVERSUS. Identifiers: Orphanet 244, MedGen C3809548, MONDO:0014193, OMIM 615451.

Allele frequency attached by ClinVar (database versions not stated): ExAC 0.00002; gnomAD exomes 0.00002; TOPMed 0.00002; gnomAD 0.00003.
gnomAD v4.1: 30 of 1,614,022 alleles (0.0019%); highest among the groups gnomAD compares: Non-Finnish European, 0.0023%; no homozygotes.

Submissions (2):

ARUP Laboratories, Molecular Genetics and Genomics, ARUP Laboratories
Classification: Uncertain significance for Primary ciliary dyskinesia 23. Last evaluated: 2024-07-08. Review status: criteria provided, single submitter. Criteria: ARUP Molecular Germline Variant Investigation Process 2024. Collection method: clinical testing. Allele origin: germline.
Comment: The ODAD2 c.1801G>A; p.Glu601Lys variant (rs777609514), to our knowledge, is not reported in the medical literature but is reported in ClinVar (Variation ID: 2057764). This variant is found in the non-Finnish European population with an allele frequency of 0.009% (10/113,300 alleles) in the Genome Aggregation Database (v2.1.1). Computational analyses predict that this variant is neutral (REVEL: 0.039). However, given the lack of clinical and functional data, the significance of this variant is uncertain at this time.

Labcorp Genetics (formerly Invitae), Labcorp
Classification: Uncertain significance for Primary ciliary dyskinesia 23. Last evaluated: 2022-10-17. Review status: criteria provided, single submitter. Criteria: Invitae Variant Classification Sherloc (09022015). Collection method: clinical testing. Allele origin: germline.
Comment: This sequence change replaces glutamic acid, which is acidic and polar, with lysine, which is basic and polar, at codon 601 of the ARMC4 protein (p.Glu601Lys). This variant is present in population databases (rs777609514, gnomAD 0.009%). This variant has not been reported in the literature in individuals affected with ARMC4-related conditions. Algorithms developed to predict the effect of missense changes on protein structure and function (SIFT, PolyPhen-2, Align-GVGD) all suggest that this variant is likely to be tolerated. In summary, the available evidence is currently insufficient to determine the role of this variant in disease. Therefore, it has been classified as a Variant of Uncertain Significance.